The following is an entry in ClinVar:

NM_000264.5(PTCH1):c.2399T>A (p.Phe800Tyr)

Genes: PTCH1 (patched 1; minus strand), LOC100507346 (uncharacterized LOC100507346; plus strand). Cytogenetic location: 9q22.32.
Variant type: single nucleotide variant.
Coding change: c.2399T>A on transcript NM_000264.5 (MANE Select); coding-DNA position 2399, T replaced by A.
Protein change: p.Phe800Tyr; replaces phenylalanine 800 with tyrosine.
Molecular consequence: missense variant.
Genome position (GRCh38, 1-based): chr9:95,467,277, A>T on the plus strand (T>A on the coding strand, the complement: PTCH1 is on the minus strand). VCF-style: chr9-95467277-A-T. GRCh37 (hg19) VCF-style: chr9-98229559-A-T.
Other names: c.2201T>A, p.Phe734Tyr (NM_001083602.3); c.2396T>A, p.Phe799Tyr (NM_001083603.3); c.1946T>A, p.Phe649Tyr (NM_001083604.3, NM_001083605.3, NM_001083606.3 and 1 more transcripts); c.2243T>A, p.Phe748Tyr (NM_001354918.2); short protein forms F800Y, F734Y, F649Y, F748Y, F799Y.
Identifiers: ClinVar variation 1790665 (VCV001790665.2), dbSNP rs2117963922, ClinGen allele CA374114348.

ClinVar aggregate classification (germline): Uncertain significance (1 of 4 stars; one submission).

Conditions:
Hereditary cancer-predisposing syndrome. Also called: Hereditary Cancer Syndrome; Hereditary neoplastic syndrome; Tumor predisposition; Neoplastic Syndromes, Hereditary. Identifiers: Orphanet 140162, MedGen C0027672, MeSH D009386, MONDO:0015356.

Submission:

Ambry Genetics
Classification: Uncertain significance for Hereditary cancer-predisposing syndrome. Last evaluated: 2020-06-25. Review status: criteria provided, single submitter. Criteria: Ambry Variant Classification Scheme 2023. Collection method: clinical testing. Allele origin: germline.
Comment: The p.F800Y variant (also known as c.2399T>A), located in coding exon 15 of the PTCH1 gene, results from a T to A substitution at nucleotide position 2399. The phenylalanine at codon 800 is replaced by tyrosine, an amino acid with highly similar properties. This amino acid position is highly conserved in available vertebrate species. In addition, this alteration is predicted to be deleterious by in silico analysis. Since supporting evidence is limited at this time, the clinical significance of this alteration remains unclear.